The following is an entry in ClinVar:

ClinVar aggregate classification (germline): Uncertain significance (1 of 4 stars; one submission).

Conditions:
Baller-Gerold syndrome (BGS). Also called: CRANIOSYNOSTOSIS WITH RADIAL DEFECTS. Identifiers: Orphanet 1225, MedGen C0265308, MONDO:0009039, OMIM 218600.

gnomAD v4.1: 23 of 1,612,614 alleles (0.0014%); highest among the groups gnomAD compares: South Asian, 0.021%; no homozygotes.

Submission:

Labcorp Genetics (formerly Invitae), Labcorp
Classification: Uncertain significance for Baller-Gerold syndrome. Last evaluated: 2024-07-08. Review status: criteria provided, single submitter. Criteria: Invitae Variant Classification Sherloc (09022015). Collection method: clinical testing. Allele origin: germline.
Comment: This sequence change replaces glutamic acid, which is acidic and polar, with lysine, which is basic and polar, at codon 422 of the RECQL4 protein (p.Glu422Lys). This variant is present in population databases (rs757872564, gnomAD 0.02%). This variant has not been reported in the literature in individuals affected with RECQL4-related conditions. Advanced modeling of protein sequence and biophysical properties (such as structural, functional, and spatial information, amino acid conservation, physicochemical variation, residue mobility, and thermodynamic stability) performed at Invitae indicates that this missense variant is not expected to disrupt RECQL4 protein function with a negative predictive value of 80%. In summary, the available evidence is currently insufficient to determine the role of this variant in disease. Therefore, it has been classified as a Variant of Uncertain Significance.

NM_004260.4(RECQL4):c.1264G>A (p.Glu422Lys)

Gene: RECQL4 (RecQ like helicase 4; minus strand). Cytogenetic location: 8q24.3.
Variant type: single nucleotide variant.
Coding change: c.1264G>A on transcript NM_004260.4 (MANE Select); coding-DNA position 1264, G replaced by A.
Protein change: p.Glu422Lys; replaces glutamic acid 422 with lysine.
Molecular consequence: missense variant. On other transcripts: non-coding transcript variant (3), 5 prime UTR variant (1).
Genome position (GRCh38, 1-based): chr8:144,515,452, C>T on the plus strand (G>A on the coding strand, the complement: RECQL4 is on the minus strand). VCF-style: chr8-144515452-C-T. GRCh37 (hg19) VCF-style: chr8-145740836-C-T.
Other names: c.1168G>A, p.Glu390Lys (NM_001413017.1, NM_001413020.1); c.1264G>A, p.Glu422Lys (NM_001413018.1, NM_001413019.1, NM_001413033.1 and 2 more transcripts); c.193G>A, p.Glu65Lys (NM_001413021.1, NM_001413022.1, NM_001413023.1 and 8 more transcripts); c.1135G>A, p.Glu379Lys (NM_001413025.1); c.127G>A, p.Glu43Lys (NM_001413027.1, NM_001413030.1, NM_001413031.1 and 2 more transcripts); c.913G>A, p.Glu305Lys (NM_001413029.1); c.-204G>A (NM_001413043.1); short protein forms E305K, E379K, E390K, E422K, E43K, E65K.
Identifiers: ClinVar variation 3603579 (VCV003603579.2).
Genomic context (GRCh38, chr8:144,515,452, plus strand): 5'-CAGGTACAGGTTGTGGTGAAGGAACCAGTGGCTCAGGCCCAACAGCATCTGTGTCTTCCT[C>T]ACTTGCTGGGGCAGGCAGGAGAGGGTAGAATGGGAGCTCCAGGTCGGGCAAGACAACCAC-3'
Protein context (NP_004251.4, residues 412-432): WAAQCPRPAS[Glu422Lys]EDTDAVGPEP